The following is an entry in ClinVar:

NM_014915.3(ANKRD26):c.1196A>G (p.Asn399Ser)

Gene: ANKRD26 (ankyrin repeat domain containing 26; minus strand). Cytogenetic location: 10p12.1.
Variant type: single nucleotide variant.
Coding change: c.1196A>G on transcript NM_014915.3 (MANE Select); coding-DNA position 1196, A replaced by G.
Protein change: p.Asn399Ser; replaces asparagine 399 with serine.
Molecular consequence: missense variant.
Genome position (GRCh38, 1-based): chr10:27,067,168, T>C on the plus strand (A>G on the coding strand, the complement: ANKRD26 is on the minus strand). VCF-style: chr10-27067168-T-C. GRCh37 (hg19) VCF-style: chr10-27356097-T-C.
Other names: c.1196A>G, p.Asn399Ser (NM_001256053.2); short protein forms N399S.
Identifiers: ClinVar variation 3913237 (VCV003913237.1).

ClinVar aggregate classification (germline): Uncertain significance (1 of 4 stars; one submission).

Conditions:
Inborn genetic diseases. Identifiers: MedGen C0950123, MeSH D030342.

gnomAD v4.1: 1 of 1,613,464 alleles (0.000062%); highest among the groups gnomAD compares: African/African-American, 0.0013%; no homozygotes.

Submission:

Ambry Genetics
Classification: Uncertain significance for Inborn genetic diseases. Last evaluated: 2025-03-25. Review status: criteria provided, single submitter. Criteria: Ambry Variant Classification Scheme 2023. Collection method: clinical testing. Allele origin: germline.
Comment: The p.N399S variant (also known as c.1196A>G), located in coding exon 10 of the ANKRD26 gene, results from an A to G substitution at nucleotide position 1196. The asparagine at codon 399 is replaced by serine, an amino acid with highly similar properties. This amino acid position is conserved. In addition, this alteration is predicted to be tolerated by in silico analysis. Based on the available evidence, the clinical significance of this variant remains unclear.